The following is an entry in ClinVar:

ClinVar aggregate classification (germline): Uncertain significance (1 of 4 stars; one submission).

Conditions:
Pseudo-Hurler polydystrophy. Also called: MUCOLIPIDOSIS IIIA; ML III; ML III ALPHA/BETA; Type III Mucolipidosis; ML IIIA; Mucolipidosis III Alpha/Beta. Identifiers: Orphanet 423461, Orphanet 577, MedGen C0033788, MONDO:0018931, OMIM 252600.
Mucolipidosis type II. Also called: Mucolipidosis II Alpha/Beta; ML II ALPHA/BETA; Mucolipidosis 2; ML 2; Inclusion cell disease; Leroy Disease. Identifiers: Orphanet 576, MedGen C2673377, MONDO:0009650, OMIM 252500.

gnomAD v4.1: 2 of 1,613,620 alleles (0.00012%); highest among the groups gnomAD compares: Non-Finnish European, 0.00017%; no homozygotes.

Submission:

Labcorp Genetics (formerly Invitae), Labcorp
Classification: Uncertain significance for Pseudo-Hurler polydystrophy; Mucolipidosis type II. Last evaluated: 2021-11-30. Review status: criteria provided, single submitter. Criteria: Invitae Variant Classification Sherloc (09022015). Collection method: clinical testing. Allele origin: germline.
Comment: This sequence change replaces histidine, which is basic and polar, with glutamine, which is neutral and polar, at codon 821 of the GNPTAB protein (p.His821Gln). This variant is not present in population databases (gnomAD no frequency). This variant has not been reported in the literature in individuals affected with GNPTAB-related conditions. Advanced modeling of protein sequence and biophysical properties (such as structural, functional, and spatial information, amino acid conservation, physicochemical variation, residue mobility, and thermodynamic stability) performed at Invitae indicates that this missense variant is not expected to disrupt GNPTAB protein function. In summary, the available evidence is currently insufficient to determine the role of this variant in disease. Therefore, it has been classified as a Variant of Uncertain Significance.

NM_024312.5(GNPTAB):c.2463C>G (p.His821Gln)

Gene: GNPTAB (N-acetylglucosamine-1-phosphate transferase subunits alpha and beta; minus strand). Cytogenetic location: 12q23.2.
Variant type: single nucleotide variant.
Coding change: c.2463C>G on transcript NM_024312.5 (MANE Select); coding-DNA position 2463, C replaced by G.
Protein change: p.His821Gln; replaces histidine 821 with glutamine.
Molecular consequence: missense variant.
Genome position (GRCh38, 1-based): chr12:101,764,454, G>C on the plus strand (C>G on the coding strand, the complement: GNPTAB is on the minus strand). VCF-style: chr12-101764454-G-C. GRCh37 (hg19) VCF-style: chr12-102158232-G-C.
Other names: short protein forms H821Q.
Identifiers: ClinVar variation 1985403 (VCV001985403.4), dbSNP rs2547956815, ClinGen allele CA386298186.